The following is an entry in ClinVar:

ClinVar aggregate classification (germline): Uncertain significance (1 of 4 stars; one submission).

Allele frequency attached by ClinVar (database versions not stated): gnomAD 0.00001; gnomAD exomes 0.00001; ExAC 0.00002; 1000 Genomes Project 30x 0.00016; 1000 Genomes Project 0.00020.

Submission:

Ambry Genetics
Classification: Uncertain significance. Last evaluated: 2023-11-14. Review status: criteria provided, single submitter. Criteria: Ambry Variant Classification Scheme 2023. Collection method: clinical testing. Allele origin: germline.
Comment: The p.A108T variant (also known as c.322G>A), located in coding exon 1 of the EGLN2 gene, results from a G to A substitution at nucleotide position 322. The alanine at codon 108 is replaced by threonine, an amino acid with similar properties. This amino acid position is conserved. In addition, this alteration is predicted to be tolerated by in silico analysis. Since supporting evidence is limited at this time, the clinical significance of this alteration remains unclear.

NM_080732.4(EGLN2):c.322G>A (p.Ala108Thr)

Genes: EGLN2 (egl-9 family hypoxia inducible factor 2; plus strand), RAB4B-EGLN2 (RAB4B-EGLN2 readthrough (NMD candidate); plus strand). Cytogenetic location: 19q13.2.
Variant type: single nucleotide variant.
Coding change: c.322G>A on transcript NM_080732.4 (MANE Select); coding-DNA position 322, G replaced by A.
Protein change: p.Ala108Thr; replaces alanine 108 with threonine.
Molecular consequence: missense variant. On other transcripts: non-coding transcript variant (1).
Genome position (GRCh38, 1-based): chr19:40,800,894, G>A. VCF-style: chr19-40800894-G-A. GRCh37 (hg19) VCF-style: chr19-41306799-G-A.
Other names: c.322G>A, p.Ala108Thr (NM_053046.4); short protein forms A108T.
Identifiers: ClinVar variation 1729174 (VCV001729174.2), dbSNP rs564530170, ClinGen allele CA9452189.
Genomic context (GRCh38, chr19:40,800,894, plus strand): 5'-CTGCGGCCGCTGCAGAGTGAAGGCGCTGCAGCGCTGGTCACCAAGGGGTGCCAGCGATTG[G>A]CAGCCCAGGGCGCACGGCCTGAGGCCCCCAAACGGAAATGGGCCGAGGATGGTGGGGATG-3'
Protein context (NP_542770.2, residues 98-118): ALVTKGCQRL[Ala108Thr]AQGARPEAPK